The following is an entry in ClinVar:

ClinVar aggregate classification (germline): Conflicting classifications of pathogenicity. Review status: criteria provided, conflicting classifications (1 of 4 stars). 11 submissions from 11 submitters: Uncertain significance (3); Benign (1); Likely benign (5). 2 of the submissions do not count toward it. Last evaluated 2026-05-01.

Conditions:
POR-related disorder. Also called: POR-related condition.
Antley-Bixler syndrome with genital anomalies and disordered steroidogenesis (ABS1). Also called: POR Deficiency. Identifiers: Orphanet 63269, MedGen C3150099, MONDO:0008726, OMIM 201750.
Congenital adrenal hyperplasia due to cytochrome P450 oxidoreductase deficiency. Also called: DISORDERED STEROIDOGENESIS DUE TO POR DEFICIENCY. Identifiers: Orphanet 95699, MedGen C1860042, MONDO:0013310, OMIM 613571.

Allele frequency attached by ClinVar (database versions not stated): gnomAD 0.00106 and 0.00120; ESP Exome Variant Server 0.00128; gnomAD exomes 0.00141 and 0.00166; TOPMed 0.00143; ExAC 0.00174; 1000 Genomes Project 30x 0.00219; 1000 Genomes Project 0.00240.
gnomAD v4.1: 2,270 of 1,612,670 alleles (0.14%); highest among the groups gnomAD compares: Middle Eastern, 0.53%; 9 homozygotes.

Submissions (11):

CeGaT Center for Human Genetics Tuebingen
Classification: Likely benign. Last evaluated: 2026-05-01. Review status: criteria provided, single submitter. Criteria: CeGaT Center For Human Genetics Tuebingen Variant Classification Criteria Version 2. Collection method: clinical testing. Allele origin: germline. Affected: yes. Observed: 9 variant alleles.
Comment: POR: BS2

PreventionGenetics, part of Exact Sciences
Classification: Likely benign for POR-related condition. Last evaluated: 2026-02-19. Review status: criteria provided, single submitter. Criteria: ACMG Guidelines, 2015. Collection method: clinical testing. Allele origin: germline.
Comment: This variant is classified as likely benign based on ACMG/AMP sequence variant interpretation guidelines (Richards et al. 2015 PMID: 25741868, with internal and published modifications).

Labcorp Genetics (formerly Invitae), Labcorp
Classification: Benign for Congenital adrenal hyperplasia due to cytochrome P450 oxidoreductase deficiency. Last evaluated: 2026-01-25. Review status: criteria provided, single submitter. Criteria: Invitae Variant Classification Sherloc (09022015). Collection method: clinical testing. Allele origin: germline.

Blueprint Genetics
Classification: Likely benign. Last evaluated: 2024-11-26. Review status: criteria provided, single submitter. Criteria: ACMG Guidelines, 2015. Collection method: clinical testing. Allele origin: germline.

ARUP Laboratories, Molecular Genetics and Genomics, ARUP Laboratories
Classification: Likely benign. Last evaluated: 2024-11-15. Review status: criteria provided, single submitter. Criteria: ARUP Molecular Germline Variant Investigation Process 2024. Collection method: clinical testing. Allele origin: germline.

GeneDx
Classification: Likely benign. Last evaluated: 2020-04-22. Review status: criteria provided, single submitter. Criteria: GeneDx Variant Classification Process June 2021. Collection method: clinical testing. Allele origin: germline. Affected: yes.
Comment: This variant is associated with the following publications: (PMID: 25712184, 27068427, 27032764, 27884173, 16467261, 17635179, 18551037, 15793702, 20732302, 28731962)

CENTOGENE GmbH and LLC - Guiding Precision Medicine
Classification: Uncertain significance for Antley-Bixler syndrome with genital anomalies and disordered steroidogenesis. Last evaluated: 2020-02-26. Review status: criteria provided, single submitter. Criteria: ACMG Guidelines, 2015. Collection method: clinical testing. Allele origin: germline.

Illumina Laboratory Services, Illumina
Classification: Uncertain significance for Congenital adrenal hyperplasia due to cytochrome P450 oxidoreductase deficiency. Last evaluated: 2017-04-27. Review status: criteria provided, single submitter. Criteria: ICSL Variant Classification Criteria 13 December 2019. Collection method: clinical testing. Allele origin: germline.

Eurofins Ntd Llc (ga)
Classification: Uncertain significance. Last evaluated: 2015-11-05. Review status: criteria provided, single submitter. Criteria: EGL Classification Definitions 2015. Collection method: clinical testing. Allele origin: germline. Observed: 3 variant alleles, 3 heterozygotes.

Clinical Genetics DNA and cytogenetics Diagnostics Lab, Erasmus MC, Erasmus Medical Center
Classification: Likely benign. Review status: no assertion criteria provided. Collection method: clinical testing. Allele origin: germline. Affected: yes. Study: VKGL Data-share Consensus. Not counted in ClinVar's aggregate classification.

Laboratory of Diagnostic Genome Analysis, Leiden University Medical Center (LUMC)
Classification: Likely benign. Review status: no assertion criteria provided. Collection method: clinical testing. Allele origin: germline. Affected: yes. Study: VKGL Data-share Consensus. Not counted in ClinVar's aggregate classification.

NM_001395413.1(POR):c.1882G>A (p.Val628Ile)

Gene: POR (cytochrome p450 oxidoreductase; plus strand). Cytogenetic location: 7q11.23.
Variant type: single nucleotide variant.
Coding change: c.1882G>A on transcript NM_001395413.1 (MANE Select); coding-DNA position 1882, G replaced by A.
Protein change: p.Val628Ile; replaces valine 628 with isoleucine.
Molecular consequence: missense variant.
Genome position (GRCh38, 1-based): chr7:75,986,234, G>A. VCF-style: chr7-75986234-G-A. GRCh37 (hg19) VCF-style: chr7-75615552-G-A.
Other names: c.1882G>A, p.Val628Ile (NM_001367562.3, NM_001382657.2, NM_001382658.3 and 1 more transcripts); c.1936G>A, p.Val646Ile (NM_001382655.3); c.1732G>A, p.Val578Ile (NM_001382662.3); short protein forms V578I, V628I, V646I.
Identifiers: ClinVar variation 284175 (VCV000284175.71), dbSNP rs145782750, ClinGen allele CA4304330.